The following is an entry in ClinVar:

ClinVar aggregate classification (germline): Conflicting classifications of pathogenicity. Review status: criteria provided, conflicting classifications (1 of 4 stars). 2 submissions from 2 submitters: Uncertain significance (1); Likely benign (1). Last evaluated 2024-12-08.

Conditions:
Werner syndrome (WRN). Identifiers: Orphanet 902, MedGen C0043119, MONDO:0010196, OMIM 277700.

Allele frequency attached by ClinVar (database versions not stated): gnomAD exomes 0.00001 and 0.00002; ExAC 0.00002; ESP Exome Variant Server 0.00008; gnomAD 0.00008 and 0.00009; TOPMed 0.00009.
gnomAD v4.1: 22 of 1,582,296 alleles (0.0014%); highest among the groups gnomAD compares: African/African-American, 0.023%; no homozygotes.

Submissions (2):

Labcorp Genetics (formerly Invitae), Labcorp
Classification: Likely benign for Werner syndrome. Last evaluated: 2024-12-08. Review status: criteria provided, single submitter. Criteria: Invitae Variant Classification Sherloc (09022015). Collection method: clinical testing. Allele origin: germline.

GeneDx
Classification: Uncertain significance. Last evaluated: 2019-08-19. Review status: criteria provided, single submitter. Criteria: GeneDx Variant Classification Process June 2021. Collection method: clinical testing. Allele origin: germline. Affected: yes.
Comment: Not observed at a significant frequency in large population cohorts (Lek et al., 2016); Nucleotide substitution has no predicted effect on splicing but is conserved across species; Has not been previously published as pathogenic or benign to our knowledge

NM_000553.6(WRN):c.3375T>C (p.Ser1125=)

Gene: WRN (WRN RecQ like helicase; plus strand). Cytogenetic location: 8p12.
Variant type: single nucleotide variant.
Coding change: c.3375T>C on transcript NM_000553.6 (MANE Select); coding-DNA position 3375, T replaced by C.
Protein change: p.Ser1125=; no amino-acid change (serine 1125 retained).
Molecular consequence: synonymous variant.
Genome position (GRCh38, 1-based): chr8:31,143,615, T>C. VCF-style: chr8-31143615-T-C. GRCh37 (hg19) VCF-style: chr8-31001131-T-C.
Identifiers: ClinVar variation 701171 (VCV000701171.11), dbSNP rs377535272, ClinGen allele CA4705026.